The following is an entry in ClinVar:

NM_001039876.3(SYNE4):c.625G>A (p.Glu209Lys)

Gene: SYNE4 (spectrin repeat containing nuclear envelope family member 4; minus strand). Cytogenetic location: 19q13.12.
Variant type: single nucleotide variant.
Coding change: c.625G>A on transcript NM_001039876.3 (MANE Select); coding-DNA position 625, G replaced by A.
Protein change: p.Glu209Lys; replaces glutamic acid 209 with lysine.
Molecular consequence: missense variant.
Genome position (GRCh38, 1-based): chr19:36,006,665, C>T on the plus strand (G>A on the coding strand, the complement: SYNE4 is on the minus strand). VCF-style: chr19-36006665-C-T. GRCh37 (hg19) VCF-style: chr19-36497567-C-T.
Other names: c.286G>A, p.Glu96Lys (NM_001297735.3); short protein forms E96K, E209K.
Identifiers: ClinVar variation 666762 (VCV000666762.9), dbSNP rs149470089, ClinGen allele CA9393882.
Genomic context (GRCh38, chr19:36,006,665, plus strand): 5'-GTCCTGGCCAGTCCGAGTCTCCCTCGACCTCCAAGTCCTGGTCCAGCGTGTTGGCCTCCT[C>T]GAACACCTGGGTCAAAGGACAGAGGTCATGGAGGCTATGAGGTTGGGGCCTGGGTTGGGT-3'
Protein context (NP_001034965.1, residues 199-219): AQLVSYSLVF[Glu209Lys]EANTLDQDLE

ClinVar aggregate classification (germline): Conflicting classifications of pathogenicity. Review status: criteria provided, conflicting classifications (1 of 4 stars). 4 submissions from 4 submitters: Uncertain significance (3); Likely benign (1). Last evaluated 2026-09-17.

Allele frequency attached by ClinVar (database versions not stated): gnomAD exomes 0.00004; ExAC 0.00007; TOPMed 0.00015; 1000 Genomes Project 30x 0.00016; ESP Exome Variant Server 0.00017; 1000 Genomes Project 0.00020; gnomAD 0.00020 and 0.00024.
gnomAD v4.1: 81 of 1,597,824 alleles (0.0051%); highest among the groups gnomAD compares: African/African-American, 0.072%; no homozygotes.

Submissions (4):

GeneDx
Classification: Uncertain significance. Last evaluated: 2026-09-17. Review status: criteria provided, single submitter. Criteria: GeneDx Variant Classification Process June 2021. Collection method: clinical testing. Allele origin: germline.
Comment: In silico analysis supports that this missense variant has a deleterious effect on protein structure/function; Has not been previously published as pathogenic or benign to our knowledge

Ambry Genetics
Classification: Uncertain significance. Last evaluated: 2025-03-31. Review status: criteria provided, single submitter. Criteria: Ambry Variant Classification Scheme 2023. Collection method: clinical testing. Allele origin: germline.

Labcorp Genetics (formerly Invitae), Labcorp
Classification: Uncertain significance. Last evaluated: 2022-07-19. Review status: criteria provided, single submitter. Criteria: Invitae Variant Classification Sherloc (09022015). Collection method: clinical testing. Allele origin: germline.
Comment: This sequence change replaces glutamic acid, which is acidic and polar, with lysine, which is basic and polar, at codon 209 of the SYNE4 protein (p.Glu209Lys). This variant is present in population databases (rs149470089, gnomAD 0.05%). This variant has not been reported in the literature in individuals affected with SYNE4-related conditions. ClinVar contains an entry for this variant (Variation ID: 666762). Algorithms developed to predict the effect of missense changes on protein structure and function output the following: SIFT: "Deleterious"; PolyPhen-2: "Possibly Damaging"; Align-GVGD: "Class C0". The lysine amino acid residue is found in multiple mammalian species, which suggests that this missense change does not adversely affect protein function. In summary, the available evidence is currently insufficient to determine the role of this variant in disease. Therefore, it has been classified as a Variant of Uncertain Significance.

Laboratory for Molecular Medicine, Mass General Brigham Personalized Medicine
Classification: Likely benign. Last evaluated: 2018-10-24. Review status: criteria provided, single submitter. Criteria: LMM Criteria. Collection method: clinical testing. Allele origin: germline. Observed: 2 variant alleles.
Comment: The p.Glu209Lys variant in SYNE4 is classified as likely benign due to a lack of conservation across species. Five mammals (squirrel monkey, bushbaby, david's m yotis, microbat, big brown bat) have a lysine (Lys) at this position. It has bee n identified in 0.04% (11/23762) of African chromosomes by the Genome Aggregatio n Database (gnomAD). ACMG/AMP Criteria applied : BP4_Strong, PM2_Supporting.